The following is an entry in ClinVar:

NM_000089.4(COL1A2):c.1199G>C (p.Gly400Ala)

Gene: COL1A2 (collagen type I alpha 2 chain; plus strand). Cytogenetic location: 7q21.3.
Variant type: single nucleotide variant.
Coding change: c.1199G>C on transcript NM_000089.4 (MANE Select); coding-DNA position 1199, G replaced by C.
Protein change: p.Gly400Ala; replaces glycine 400 with alanine.
Molecular consequence: missense variant.
Genome position (GRCh38, 1-based): chr7:94,410,890, G>C. VCF-style: chr7-94410890-G-C. GRCh37 (hg19) VCF-style: chr7-94040202-G-C.
Other names: short protein forms G400A.
Identifiers: ClinVar variation 4689420 (VCV004689420.2).

ClinVar aggregate classification (germline): Pathogenic/Likely pathogenic. Review status: criteria provided, multiple submitters, no conflicts (2 of 4 stars). 2 submissions from 2 submitters: Pathogenic (1); Likely pathogenic (1). Last evaluated 2026-01-13.

Conditions:
Ehlers-Danlos syndrome, classic type, 1 (EDSCL1). Also called: EHLERS-DANLOS SYNDROME, GRAVIS TYPE; EHLERS-DANLOS SYNDROME, SEVERE CLASSIC TYPE; Ehlers-Danlos syndrome, type 1; Ehlers-Danlos Syndrome, Classic Type, COL5A1-Related; EDS I. Identifiers: MedGen C0268335, MONDO:0019567, OMIM 130000.
Osteogenesis imperfecta type I (OI1). Also called: OI, TYPE I; OSTEOGENESIS IMPERFECTA TARDA; OSTEOGENESIS IMPERFECTA WITH BLUE SCLERAE; Osteogenesis imperfecta type 1; Lobstein's Disease; Lobstein disease. Identifiers: Orphanet 216796, Orphanet 666, MedGen C0023931, MONDO:0008146, OMIM 166200. Disease mechanism: loss of function.
Ehlers-Danlos syndrome, cardiac valvular type. Identifiers: Orphanet 230851, MedGen C4303789, MONDO:0009159, OMIM 225320.

gnomAD v4.1: 7 of 1,613,920 alleles (0.00043%); highest among the groups gnomAD compares: Non-Finnish European, 0.00059%; 1 homozygote.

Submissions (2):

Women's Health and Genetics/Laboratory Corporation of America, LabCorp
Classification: Likely pathogenic for Ehlers-Danlos syndrome, cardiac valvular type. Last evaluated: 2026-01-13. Review status: criteria provided, single submitter. Criteria: LabCorp Variant Classification Summary - May 2015. Collection method: clinical testing. Allele origin: germline.
Comment: Variant summary: COL1A2 c.1199G>C (p.Gly400Ala) results in a non-conservative amino acid change in the encoded protein sequence. This variant disrupts the triple helix domain of COL1A2. Glycine residues within the Gly-Xaa-Yaa repeats of the triple helix domain are required for the structure and stability of fibrillar collagens (PMID: 7695699, 8218237, 19344236). Algorithms developed to predict the effect of missense changes on protein structure and function all suggest that this variant is likely to be disruptive. Consensus agreement among computation tools predict no significant impact on normal splicing. However, these predictions have yet to be confirmed by functional studies. The variant allele was found at a frequency of 4e-06 in 251492 control chromosomes. c.1199G>C has been observed at a heterozygous state without second pathogenic variant in an individual affected with Osteogenesis imperfecta (Zarate_2016). These report(s) do not provide unequivocal conclusions about association of the variant with Ehlers-Danlos syndrome, cardiac valvular type. To our knowledge, no experimental evidence demonstrating an impact on protein function has been reported. At-least one variant at the Gly400 residue has been reported as associated with disease (p.Gly400Asp), suggesting that this codon is functionally important. The following publication has been ascertained in the context of this evaluation (PMID: 27090748). No submitters have cited clinical-significance assessments for this variant to ClinVar. Based on the evidence outlined above, the variant was classified as likely pathogenic.

Labcorp Genetics (formerly Invitae), Labcorp
Classification: Pathogenic for Osteogenesis imperfecta type I; Ehlers-Danlos syndrome, classic type, 1. Last evaluated: 2025-05-27. Review status: criteria provided, single submitter. Criteria: Invitae Variant Classification Sherloc (09022015). Collection method: clinical testing. Allele origin: germline.
Comment: This sequence change replaces glycine, which is neutral and non-polar, with alanine, which is neutral and non-polar, at codon 400 of the COL1A2 protein (p.Gly400Ala). This variant is present in population databases (no rsID available, gnomAD 0.0009%). This missense change has been observed in individual(s) with osteogenesis imperfecta (PMID: 27090748). An algorithm developed to predict the effect of missense changes on protein structure and function (PolyPhen-2) suggests that this variant is likely to be disruptive. This variant disrupts the triple helix domain of COL1A2. Glycine residues within the Gly-Xaa-Yaa repeats of the triple helix domain are required for the structure and stability of fibrillar collagens (PMID: 7695699, 8218237, 19344236). In COL1A2, variants affecting these glycine residues are significantly enriched in individuals with disease (PMID: 9016532, 17078022) compared to the general population (ExAC). This variant disrupts the p.Gly400 amino acid residue in COL1A2. Other variant(s) that disrupt this residue have been observed in individuals with COL1A2-related conditions (PMID: 27090748, 29807018), which suggests that this may be a clinically significant amino acid residue. For these reasons, this variant has been classified as Pathogenic.

Literature cited by the submitters: PubMed 27090748 (cited by Women's Health and Genetics/Laboratory Corporation of America, LabCorp and Labcorp Genetics (formerly Invitae), Labcorp); PubMed 7695699 (cited by Labcorp Genetics (formerly Invitae), Labcorp); PubMed 8218237 (cited by Labcorp Genetics (formerly Invitae), Labcorp); PubMed 19344236 (cited by Labcorp Genetics (formerly Invitae), Labcorp); PubMed 9016532 (cited by Labcorp Genetics (formerly Invitae), Labcorp); PubMed 17078022 (cited by Labcorp Genetics (formerly Invitae), Labcorp); PubMed 29807018 (cited by Labcorp Genetics (formerly Invitae), Labcorp).